The following is an entry in ClinVar:

ClinVar aggregate classification (germline): Conflicting classifications of pathogenicity. Review status: criteria provided, conflicting classifications (1 of 4 stars). 2 submissions from 2 submitters: Uncertain significance (1); Likely benign (1). Last evaluated 2024-11-11.

Conditions:
Floating-Harbor syndrome (FLHS). Also called: Short stature with delayed bone age, expressive language delay, a triangular face with a prominent nose and deep-set eyes; Pelletier-Leisti syndrome; SRCAP-Related Floating-Harbor Syndrome. Identifiers: Orphanet 2044, MedGen C0729582, MONDO:0007621, OMIM 136140.
Developmental delay, hypotonia, musculoskeletal defects, and behavioral abnormalities. Identifiers: MedGen C5562012, MONDO:0859202, OMIM 619595.

Allele frequency attached by ClinVar (database versions not stated): ExAC 0.00010; gnomAD 0.00001; TOPMed 0.00006; gnomAD exomes 0.00007.
gnomAD v4.1: 44 of 1,614,022 alleles (0.0027%); highest among the groups gnomAD compares: Middle Eastern, 0.033%; no homozygotes.

Submissions (2):

Labcorp Genetics (formerly Invitae), Labcorp
Classification: Uncertain significance. Last evaluated: 2024-11-11. Review status: criteria provided, single submitter. Criteria: Invitae Variant Classification Sherloc (09022015). Collection method: clinical testing. Allele origin: germline.
Comment: This sequence change replaces arginine, which is basic and polar, with glutamine, which is neutral and polar, at codon 2017 of the SRCAP protein (p.Arg2017Gln). This variant is present in population databases (rs754274438, gnomAD 0.01%). This variant has not been reported in the literature in individuals affected with SRCAP-related conditions. ClinVar contains an entry for this variant (Variation ID: 1501185). Invitae Evidence Modeling of protein sequence and biophysical properties (such as structural, functional, and spatial information, amino acid conservation, physicochemical variation, residue mobility, and thermodynamic stability) indicates that this missense variant is not expected to disrupt SRCAP protein function with a negative predictive value of 80%. In summary, the available evidence is currently insufficient to determine the role of this variant in disease. Therefore, it has been classified as a Variant of Uncertain Significance.

Fulgent Genetics
Classification: Likely benign for Floating-Harbor syndrome; Developmental delay, hypotonia, musculoskeletal defects, and behavioral abnormalities. Last evaluated: 2024-04-12. Review status: criteria provided, single submitter. Criteria: ACMG Guidelines, 2015. Collection method: clinical testing. Allele origin: germline.

NM_006662.3(SRCAP):c.6050G>A (p.Arg2017Gln)

Gene: SRCAP (Snf2 related CREBBP activator protein; plus strand). Cytogenetic location: 16p11.2.
Variant type: single nucleotide variant.
Coding change: c.6050G>A on transcript NM_006662.3 (MANE Select); coding-DNA position 6050, G replaced by A.
Protein change: p.Arg2017Gln; replaces arginine 2017 with glutamine.
Molecular consequence: missense variant.
Genome position (GRCh38, 1-based): chr16:30,729,495, G>A. VCF-style: chr16-30729495-G-A. GRCh37 (hg19) VCF-style: chr16-30740816-G-A.
Other names: short protein forms R2017Q.
Identifiers: ClinVar variation 1501185 (VCV001501185.7), dbSNP rs754274438, ClinGen allele CA8012135.